The following is an entry in ClinVar:

NM_002618.4(PEX13):c.549A>G (p.Ala183=)

Gene: PEX13 (peroxisomal biogenesis factor 13; plus strand). Cytogenetic location: 2p15.
Variant type: single nucleotide variant.
Coding change: c.549A>G on transcript NM_002618.4 (MANE Select); coding-DNA position 549, A replaced by G.
Protein change: p.Ala183=; no amino-acid change (alanine 183 retained).
Molecular consequence: synonymous variant.
Genome position (GRCh38, 1-based): chr2:61,031,875, A>G. VCF-style: chr2-61031875-A-G. GRCh37 (hg19) VCF-style: chr2-61259010-A-G.
Other names: c.549A>G (NM_002618.3).
Identifiers: ClinVar variation 2017911 (VCV002017911.5), dbSNP rs1227131546, ClinGen allele CA426411644.

ClinVar aggregate classification (germline): Likely benign. Review status: criteria provided, multiple submitters, no conflicts (2 of 4 stars). 2 submissions from 2 submitters: Likely benign (2). Last evaluated 2026-02-20.

Conditions:
Peroxisome biogenesis disorder 11A (Zellweger). Also called: Peroxisome biogenesis disorder 11A. Identifiers: Orphanet 912, MedGen C3554000, MONDO:0013949, OMIM 614883.
PEX13-related disorder. Also called: PEX13-related disorders; PEX13-related condition.

Allele frequency attached by ClinVar (database versions not stated): gnomAD exomes 0.00001.
gnomAD v4.1: 5 of 1,613,352 alleles (0.00031%); highest among the groups gnomAD compares: South Asian, 0.0011%; no homozygotes.

Submissions (2):

PreventionGenetics, part of Exact Sciences
Classification: Likely benign for PEX13-related condition. Last evaluated: 2026-02-20. Review status: criteria provided, single submitter. Criteria: ACMG Guidelines, 2015. Collection method: clinical testing. Allele origin: germline.
Comment: This variant is classified as likely benign based on ACMG/AMP sequence variant interpretation guidelines (Richards et al. 2015 PMID: 25741868, with internal and published modifications).

Labcorp Genetics (formerly Invitae), Labcorp
Classification: Likely benign for Peroxisome biogenesis disorder 11A (Zellweger). Last evaluated: 2024-10-24. Review status: criteria provided, single submitter. Criteria: Invitae Variant Classification Sherloc (09022015). Collection method: clinical testing. Allele origin: germline.